The following is an entry in ClinVar:

ClinVar aggregate classification (germline): Likely benign. Review status: criteria provided, multiple submitters, no conflicts (2 of 4 stars). 3 submissions from 3 submitters: Likely benign (3). Last evaluated 2025-09-30.

Conditions:
Inborn genetic diseases. Identifiers: MedGen C0950123, MeSH D030342.

Allele frequency attached by ClinVar (database versions not stated): gnomAD exomes 0.00003 and 0.00006; gnomAD 0.00007; TOPMed 0.00009.
gnomAD v4.1: 57 of 1,544,096 alleles (0.0037%); highest among the groups gnomAD compares: Admixed American, 0.022%; no homozygotes.

Submissions (3):

Labcorp Genetics (formerly Invitae), Labcorp
Classification: Likely benign. Last evaluated: 2025-09-30. Review status: criteria provided, single submitter. Criteria: Invitae Variant Classification Sherloc (09022015). Collection method: clinical testing. Allele origin: germline.

CeGaT Center for Human Genetics Tuebingen
Classification: Likely benign. Last evaluated: 2023-11-01. Review status: criteria provided, single submitter. Criteria: CeGaT Center For Human Genetics Tuebingen Variant Classification Criteria Version 2. Collection method: clinical testing. Allele origin: germline. Affected: yes. Observed: 2 variant alleles.
Comment: MRAS: BP4, BP7

Ambry Genetics
Classification: Likely benign for Inborn genetic diseases. Last evaluated: 2022-11-20. Review status: criteria provided, single submitter. Criteria: Ambry Variant Classification Scheme 2023. Collection method: clinical testing. Allele origin: germline.

NM_001085049.3(MRAS):c.15C>T (p.Ala5=)

Gene: MRAS (muscle RAS oncogene homolog; plus strand). Cytogenetic location: 3q22.3.
Variant type: single nucleotide variant.
Coding change: c.15C>T on transcript NM_001085049.3 (MANE Select); coding-DNA position 15, C replaced by T.
Protein change: p.Ala5=; no amino-acid change (alanine 5 retained).
Molecular consequence: synonymous variant. On other transcripts: intron variant (3).
Genome position (GRCh38, 1-based): chr3:138,372,898, C>T. VCF-style: chr3-138372898-C-T. GRCh37 (hg19) VCF-style: chr3-138091740-C-T.
Other names: c.15C>T, p.Ala5= (NM_001252090.2, NM_012219.4); c.-35-24426C>T (NM_001252091.1); c.-36+24131C>T (NM_001252093.2); c.-36+23866C>T (NM_001252092.2); c.15C>T (NM_012219.3).
Identifiers: ClinVar variation 1539564 (VCV001539564.33), dbSNP rs752887551, ClinGen allele CA2636915.